The following is an entry in ClinVar:

ClinVar aggregate classification (germline): Pathogenic (1 of 4 stars; one submission).

Submission:

GeneDx
Classification: Pathogenic. Last evaluated: 2018-04-06. Review status: criteria provided, single submitter. Criteria: GeneDx Variant Classification (06012015). Collection method: clinical testing. Allele origin: germline. Affected: yes.
Comment: The c.5110dupC pathogenic variant in the NSD1 gene causes a frameshift starting with codon Histidine 1704, changes this amino acid to a Proline residue and creates a premature Stop codon at position 3 of the new reading frame, denoted p.His1704ProfsX3. This pathogenic variant is predicted to cause loss of normal protein function either through protein truncation or nonsense-mediated mRNA decay.

NM_022455.5(NSD1):c.5110dup (p.His1704fs)

Gene: NSD1 (nuclear receptor binding SET domain protein 1; plus strand). Cytogenetic location: 5q35.3.
Variant type: Duplication.
Coding change: c.5110dup on transcript NM_022455.5 (MANE Select); coding-DNA position 5110, one base duplicated (C; older notation c.5110dupC).
Protein change: p.His1704fs; shifts the reading frame from histidine 1704.
Molecular consequence: frameshift variant.
Genome position (GRCh38, 1-based): chr5:177,260,132, C duplicated. VCF-style (leftmost placement, unchanged base first): chr5-177260131-G-GC. GRCh37 (hg19) VCF-style: chr5-176687132-G-GC.
Other names: c.5110dupC (NM_022455.4); c.4237dup, p.His1413Profs (NM_001365684.2, NM_001409308.1, NM_001409309.1 and 1 more transcripts); c.5110dup, p.His1704Profs (NM_001409301.1, NM_001409302.1, NM_001409303.1); c.4690dup, p.His1564Profs (NM_001409304.1); c.4357dup, p.His1453Profs (NM_001409305.1); c.4348dup, p.His1450Profs (NM_001409306.1, NM_001409307.1); short protein forms H1704fs, H1435fs.
Identifiers: ClinVar variation 422784 (VCV000422784.2), dbSNP rs1554200214, ClinGen allele CA16618179.
Genomic context (GRCh38, chr5:177,260,131, plus strand): 5'-ATCTAATAGTATCATCTGCCCTAATCACTTTACCCCTAGGCGGGGCTGCCGAAATCATGA[G>GC]CATGTTAATGTTAGCTGGTGCTTTGTGTGCTCAGAAGGTAAGAAATCATTTCTTCCTCTA-3'